The following is an entry in ClinVar:

NM_012309.5(SHANK2):c.2900A>G (p.Tyr967Cys)

Gene: SHANK2 (SH3 and multiple ankyrin repeat domains 2; minus strand). Cytogenetic location: 11q13.3.
Variant type: single nucleotide variant.
Coding change: c.2900A>G on transcript NM_012309.5 (MANE Select); coding-DNA position 2900, A replaced by G.
Protein change: p.Tyr967Cys; replaces tyrosine 967 with cysteine.
Molecular consequence: missense variant.
Genome position (GRCh38, 1-based): chr11:70,487,393, T>C on the plus strand (A>G on the coding strand, the complement: SHANK2 is on the minus strand). VCF-style: chr11-70487393-T-C. GRCh37 (hg19) VCF-style: chr11-70333498-T-C.
Other names: c.1763A>G, p.Tyr588Cys (NM_001379226.1); c.1136A>G, p.Tyr379Cys (NM_133266.5); short protein forms Y379C, Y967C, Y588C.
Identifiers: ClinVar variation 130303 (VCV000130303.7), dbSNP rs62622853, ClinGen allele CA214496.
Genomic context (GRCh38, chr11:70,487,393, plus strand): 5'-TTTTCTGGCATCTGGCCTCTCTTGTTGCGGAAGTTGGCTTGCGGGCCGGCATTCCGACTG[T>C]AGAGGTCTTCAGAGTCCAAGGAGTAGCGGTCCAGCTCTCTCCTGAAGTACATCCCCTTCT-3'
Protein context (NP_036441.2, residues 957-977): DRYSLDSEDL[Tyr967Cys]SRNAGPQANF

ClinVar aggregate classification (germline): Likely benign. Review status: criteria provided, single submitter (1 of 4 stars). 2 submissions from 2 submitters: Likely benign (1). 1 of the submissions does not count toward it.

Allele frequency attached by ClinVar (database versions not stated): 1000 Genomes Project 0.00899; gnomAD exomes 0.01753 and 0.02370; 1000 Genomes Project 30x 0.00999; gnomAD 0.01697 and 0.01738; TOPMed 0.01738; ExAC 0.01783; ESP Exome Variant Server 0.02025.
gnomAD v4.1: 37,055 of 1,614,110 alleles (2.3%); highest among the groups gnomAD compares: Non-Finnish European, 2.7%; 481 homozygotes.

Submissions (2):

Breakthrough Genomics
Classification: Likely benign. Review status: criteria provided, single submitter. Criteria: ACMG Guidelines, 2015. Collection method: not provided. Allele origin: germline. Inheritance: Unknown mechanism. Affected: yes.

Genetic Services Laboratory, University of Chicago
Classification: Likely benign for AllHighlyPenetrant. Review status: no assertion criteria provided. Collection method: clinical testing. Allele origin: germline. Inheritance: Autosomal dominant inheritance. Not counted in ClinVar's aggregate classification.
Comment: Likely benign based on allele frequency in 1000 Genomes Project or ESP global frequency and its presence in a patient with a rare or unrelated disease phenotype. NOT Sanger confirmed.